The following is an entry in ClinVar:

ClinVar aggregate classification (germline): Benign/Likely benign. Review status: criteria provided, multiple submitters, no conflicts (2 of 4 stars). 4 submissions from 4 submitters: Benign (1); Likely benign (3). Last evaluated 2025-01-30.

Conditions:
Familial cancer of breast. Also called: hereditary breast carcinoma; BREAST CANCER, FAMILIAL; Hereditary breast cancer. Identifiers: Orphanet 227535, MedGen C0346153, MONDO:0016419, OMIM 114480. Disease mechanism: loss of function.
Hereditary cancer-predisposing syndrome. Also called: Tumor predisposition; Neoplastic Syndromes, Hereditary; Hereditary neoplastic syndrome; Hereditary Cancer Syndrome. Identifiers: Orphanet 140162, MedGen C0027672, MeSH D009386, MONDO:0015356.

Submissions (4):

Labcorp Genetics (formerly Invitae), Labcorp
Classification: Likely benign for Familial cancer of breast. Last evaluated: 2025-01-30. Review status: criteria provided, single submitter. Criteria: Invitae Variant Classification Sherloc (09022015). Collection method: clinical testing. Allele origin: germline.

Myriad Genetics, Inc.
Classification: Benign for Familial cancer of breast. Last evaluated: 2025-01-16. Review status: criteria provided, single submitter. Criteria: Myriad Autosomal Dominant, Autosomal Recessive and X-Linked Classification Criteria (2023). Collection method: clinical testing. Allele origin: unknown.
Comment: This variant is considered benign. This variant is a silent/synonymous amino acid change and it is not expected to impact splicing.

Ambry Genetics
Classification: Likely benign for Hereditary cancer-predisposing syndrome. Last evaluated: 2019-09-28. Review status: criteria provided, single submitter. Criteria: Ambry Variant Classification Scheme 2023. Collection method: clinical testing. Allele origin: germline.

Color Diagnostics, LLC DBA Color Health
Classification: Likely benign for Hereditary cancer-predisposing syndrome. Last evaluated: 2018-01-17. Review status: criteria provided, single submitter. Criteria: ACMG Guidelines, 2015. Collection method: clinical testing. Allele origin: germline.

NM_024675.4(PALB2):c.2445A>G (p.Ser815=)

Gene: PALB2 (partner and localizer of BRCA2; minus strand). Cytogenetic location: 16p12.2.
Variant type: single nucleotide variant.
Coding change: c.2445A>G on transcript NM_024675.4 (MANE Select); coding-DNA position 2445, A replaced by G.
Protein change: p.Ser815=; no amino-acid change (serine 815 retained).
Molecular consequence: synonymous variant.
Genome position (GRCh38, 1-based): chr16:23,629,709, T>C on the plus strand (A>G on the coding strand, the complement: PALB2 is on the minus strand). VCF-style: chr16-23629709-T-C. GRCh37 (hg19) VCF-style: chr16-23641030-T-C.
Identifiers: ClinVar variation 631179 (VCV000631179.15), dbSNP rs1567217255, ClinGen allele CA494460900.